The following is an entry in ClinVar:

NM_000540.3(RYR1):c.3451A>G (p.Met1151Val)

Gene: RYR1 (ryanodine receptor 1; plus strand). Cytogenetic location: 19q13.2.
Variant type: single nucleotide variant.
Coding change: c.3451A>G on transcript NM_000540.3 (MANE Select); coding-DNA position 3451, A replaced by G.
Protein change: p.Met1151Val; replaces methionine 1151 with valine.
Molecular consequence: missense variant.
Genome position (GRCh38, 1-based): chr19:38,469,035, A>G. VCF-style: chr19-38469035-A-G. GRCh37 (hg19) VCF-style: chr19-38959675-A-G.
Other names: c.3451A>G, p.Met1151Val (NM_001042723.2); short protein forms M1151V.
Identifiers: ClinVar variation 2689896 (VCV002689896.4), dbSNP rs2514113334, ClinGen allele CA405638477.

ClinVar aggregate classification (germline): Uncertain significance. Review status: criteria provided, multiple submitters, no conflicts (2 of 4 stars). 3 submissions from 3 submitters: Uncertain significance (3). Last evaluated 2026-01-30.

Conditions:
Congenital multicore myopathy with external ophthalmoplegia (CMYO1B). Also called: MULTICORE MYOPATHY; Minicore myopathy with external ophthalmoplegia; Congenital myopathy 1B, autosomal recessive; Minicore myopathy; MULTIMINICORE DISEASE WITH EXTERNAL OPHTHALMOPLEGIA. Identifiers: Orphanet 598, Orphanet 98905, MedGen C1850674, MONDO:0009712, OMIM 255320, HP:0003789.

Allele frequency attached by ClinVar (database versions not stated): gnomAD exomes below 0.00001.

Submissions (3):

GeneDx
Classification: Uncertain significance. Last evaluated: 2026-01-30. Review status: criteria provided, single submitter. Criteria: GeneDx Variant Classification Process June 2021. Collection method: clinical testing. Allele origin: germline.
Comment: Not observed at significant frequency in large population cohorts (gnomAD); In silico analysis supports that this missense variant has a deleterious effect on protein structure/function; Has not been previously published as pathogenic or benign to our knowledge

3billion
Classification: Uncertain significance for Congenital multicore myopathy with external ophthalmoplegia. Last evaluated: 2025-10-26. Review status: criteria provided, single submitter. Criteria: ACMG Guidelines, 2015. Collection method: clinical testing. Allele origin: germline. Affected: yes.
Comment: The variant is observed at an extremely low frequency in the gnomAD v4.1.0 dataset (total allele frequency: <0.001%). Predicted Consequence/Location: Missense variant In silico tool predictions suggest damaging effect of the variant on gene or gene product [3Cnet: 0.81 (> 0.75, sensitivity 0.96 and precision 0.92)]. The variant has been reported as of uncertain significance (ClinVar ID: VCV002689896). Different missense changes at the same codon have been reported as of uncertain significance (ClinVar ID: VCV002697017). Therefore, this variant is classified as VUS according to the recommendation of ACMG/AMP guideline.

Revvity Omics, Revvity
Classification: Uncertain significance. Last evaluated: 2023-08-02. Review status: criteria provided, single submitter. Criteria: ACMG Guidelines, 2015. Collection method: clinical testing. Allele origin: germline.